The following is an entry in ClinVar:

ClinVar aggregate classification (germline): Pathogenic (1 of 4 stars; one submission).

Conditions:
Treacher Collins syndrome 1 (TCS1). Also called: TCOF1-Related Treacher Collins Syndrome. Identifiers: Orphanet 861, MedGen CN315775, MONDO:0007944, OMIM 154500.

Submission:

Juno Genomics, Hangzhou Juno Genomics, Inc
Classification: Pathogenic for Treacher Collins syndrome 1. Review status: criteria provided, single submitter. Criteria: ACMG Guidelines, 2015. Collection method: clinical testing. Allele origin: germline. Affected: yes.
Comment: Null variant in a gene where loss of function (LOF) is a known mechanism of disease.;Absent from controls (or at extremely low frequency if recessive) in Genome Aggregation Database, Exome Sequencing Project, 1000 Genomes Project, or Exome Aggregation Consortium.;Patient's phenotype or family history is highly specific for a disease with a single genetic etiology.;Assumed de novo, but without confirmation of paternity and maternity.

NM_001371623.1(TCOF1):c.2745_2750delinsAACC (p.Pro916fs)

Gene: TCOF1 (treacle ribosome biogenesis factor 1; plus strand). Cytogenetic location: 5q32.
Variant type: Indel.
Coding change: c.2745_2750delinsAACC on transcript NM_001371623.1 (MANE Select); coding-DNA positions 2745 to 2750, TCCTGG replaced by AACC.
Protein change: p.Pro916fs; shifts the reading frame from proline 916.
Molecular consequence: frameshift variant.
Genome position (GRCh38, 1-based): chr5:150,379,618-150,379,623, TCCTGG replaced by AACC. VCF-style: chr5-150379618-TCCTGG-AACC. GRCh37 (hg19) VCF-style: chr5-149759181-TCCTGG-AACC.
Other names: c.2514_2519delinsAACC, p.Pro839fs (NM_000356.4, NM_001135245.2); c.2745_2750delinsAACC, p.Pro916fs (NM_001008657.3, NM_001135243.2, NM_001135244.2 and 1 more transcripts); short protein forms P839fs, P916fs.
Identifiers: ClinVar variation 3382767 (VCV003382767.2).